The following is an entry in ClinVar:

ClinVar aggregate classification (germline): Uncertain significance (1 of 4 stars; one submission).

Submission:

Labcorp Genetics (formerly Invitae), Labcorp
Classification: Uncertain significance. Last evaluated: 2023-08-10. Review status: criteria provided, single submitter. Criteria: Invitae Variant Classification Sherloc (09022015). Collection method: clinical testing. Allele origin: germline.
Comment: This sequence change replaces valine, which is neutral and non-polar, with isoleucine, which is neutral and non-polar, at codon 144 of the RP1 protein (p.Val144Ile). In summary, the available evidence is currently insufficient to determine the role of this variant in disease. Therefore, it has been classified as a Variant of Uncertain Significance. An algorithm developed to predict the effect of missense changes on protein structure and function (PolyPhen-2) suggests that this variant is likely to be tolerated. ClinVar contains an entry for this variant (Variation ID: 1484265). This variant has not been reported in the literature in individuals affected with RP1-related conditions. This variant is present in population databases (rs752270105, gnomAD 0.006%).

NM_006269.2(RP1):c.430G>A (p.Val144Ile)

Gene: RP1 (RP1 axonemal microtubule associated; plus strand). Cytogenetic location: 8q12.1.
Variant type: single nucleotide variant.
Coding change: c.430G>A on transcript NM_006269.2 (MANE Select); coding-DNA position 430, G replaced by A.
Protein change: p.Val144Ile; replaces valine 144 with isoleucine.
Molecular consequence: missense variant.
Genome position (GRCh38, 1-based): chr8:54,621,396, G>A. VCF-style: chr8-54621396-G-A. GRCh37 (hg19) VCF-style: chr8-55533956-G-A.
Other names: c.430G>A, p.Val144Ile (NM_001375654.1); short protein forms V144I.
Identifiers: ClinVar variation 1484265 (VCV001484265.6), dbSNP rs752270105, ClinGen allele CA4751161.
Genomic context (GRCh38, chr8:54,621,396, plus strand): 5'-CCGCGGCCCTGGCTCAGCAGCCGGGCCATTAGCGCGCACTCACCGCCCCACCCCGTAGCC[G>A]TCGCTGCTCCCGGCATGCCCCGCCCCCCACGGAGCCTAGTGGTCTTCAGGAATGGCGACC-3'
Protein context (NP_006260.1, residues 134-154): SAHSPPHPVA[Val144Ile]AAPGMPRPPR